The following is an entry in ClinVar:

ClinVar aggregate classification (germline): Benign. Review status: criteria provided, multiple submitters, no conflicts (2 of 4 stars). 7 submissions from 7 submitters: Benign (7). Last evaluated 2026-02-04.

Conditions:
Familial infantile myasthenia (CMS6). Also called: MYASTHENIC SYNDROME, CONGENITAL, 6, PRESYNAPTIC; MYASTHENIC SYNDROME, PRESYNAPTIC, CONGENITAL, ASSOCIATED WITH EPISODIC APNEA; Congenital myasthenic syndrome type 6. Identifiers: Orphanet 590, MedGen C0393929, MONDO:0009689, OMIM 254210.

Allele frequency attached by ClinVar (database versions not stated): ESP Exome Variant Server 0.96102; TOPMed 0.96302; 1000 Genomes Project 30x 0.96315; 1000 Genomes Project 0.96645; ExAC 0.98962; gnomAD exomes 0.99660.

Submissions (7):

Labcorp Genetics (formerly Invitae), Labcorp
Classification: Benign for Familial infantile myasthenia. Last evaluated: 2026-02-04. Review status: criteria provided, single submitter. Criteria: Invitae Variant Classification Sherloc (09022015). Collection method: clinical testing. Allele origin: germline.

Blueprint Genetics
Classification: Benign. Last evaluated: 2024-11-27. Review status: criteria provided, single submitter. Criteria: ACMG Guidelines, 2015. Collection method: clinical testing. Allele origin: germline.

Genome-Nilou Lab
Classification: Benign for Familial infantile myasthenia. Last evaluated: 2021-07-22. Review status: criteria provided, single submitter. Criteria: ACMG Guidelines, 2015. Collection method: clinical testing. Allele origin: germline. Affected: no.

Mendelics
Classification: Benign for Familial infantile myasthenia. Last evaluated: 2019-05-28. Review status: criteria provided, single submitter. Criteria: Mendelics Assertion Criteria 2017. Collection method: clinical testing. Allele origin: unknown.

Laboratory for Molecular Medicine, Mass General Brigham Personalized Medicine
Classification: Benign. Last evaluated: 2016-03-28. Review status: criteria provided, single submitter. Criteria: LMM Criteria. Collection method: clinical testing. Allele origin: germline.
Comment: Variant identified in a genome or exome case(s) and assessed due to predicted null impact of the variant or pathogenic assertions in the literature or databases. Disclaimer: This variant has not undergone full assessment. The following are preliminary notes: Frequency

Eurofins Ntd Llc (ga)
Classification: Benign. Last evaluated: 2014-11-21. Review status: criteria provided, single submitter. Criteria: EGL Classification Definitions 2015. Collection method: clinical testing. Allele origin: germline. Observed: 1 variant allele, 1 homozygote.

Breakthrough Genomics
Classification: Benign. Review status: criteria provided, single submitter. Criteria: ACMG Guidelines, 2015. Collection method: not provided. Allele origin: germline. Inheritance: Autosomal recessive inheritance. Affected: yes.

NM_020549.5(CHAT):c.1381G>A (p.Val461Met)

Gene: CHAT (choline O-acetyltransferase; plus strand). Cytogenetic location: 10q11.23.
Variant type: single nucleotide variant.
Coding change: c.1381G>A on transcript NM_020549.5 (MANE Select); coding-DNA position 1381, G replaced by A.
Protein change: p.Val461Met; replaces valine 461 with methionine.
Molecular consequence: missense variant. On other transcripts: no sequence alteration (1).
Genome position (GRCh38, 1-based): chr10:49,648,606, G>A. VCF-style: chr10-49648606-G-A. GRCh37 (hg19) VCF-style: chr10-50856652-G-A.
Other names: c.1027G>A, p.Val343Met (NM_001142929.2, NM_001142934.2, NM_020984.4 and 2 more transcripts); c.1135G>A, p.Val379Met (NM_001142933.2); c.1135G>A (NM_001142933.1); short protein forms V343M, V379M, V461M.
Identifiers: ClinVar variation 199157 (VCV000199157.21), dbSNP rs4838544, ClinGen allele CA203779.